The following is an entry in ClinVar:

ClinVar aggregate classification (germline): Uncertain significance. Review status: criteria provided, multiple submitters, no conflicts (2 of 4 stars). 3 submissions from 3 submitters: Uncertain significance (3). Last evaluated 2021-11-07.

Conditions:
Hereditary cancer-predisposing syndrome. Also called: Hereditary Cancer Syndrome; Neoplastic Syndromes, Hereditary; Tumor predisposition; Hereditary neoplastic syndrome. Identifiers: Orphanet 140162, MedGen C0027672, MeSH D009386, MONDO:0015356.
Microcephaly, normal intelligence and immunodeficiency (NBS). Also called: BERLIN BREAKAGE SYNDROME; Ataxia telangiectasia variant V1; IMMUNODEFICIENCY, MICROCEPHALY, AND CHROMOSOMAL INSTABILITY; SEEMANOVA SYNDROME II; Nijmegen breakage syndrome; Microcephaly with normal intelligence immunodeficiency and lymphoreticular malignancies. Identifiers: Orphanet 647, MedGen C0398791, MONDO:0009623, OMIM 251260.

Allele frequency attached by ClinVar (database versions not stated): gnomAD 0.00001.

Submissions (3):

Genome-Nilou Lab
Classification: Uncertain significance for Microcephaly, normal intelligence and immunodeficiency. Last evaluated: 2021-11-07. Review status: criteria provided, single submitter. Criteria: ACMG Guidelines, 2015. Collection method: clinical testing. Allele origin: germline. Affected: no.

Labcorp Genetics (formerly Invitae), Labcorp
Classification: Uncertain significance for Microcephaly, normal intelligence and immunodeficiency. Last evaluated: 2020-02-26. Review status: criteria provided, single submitter. Criteria: Invitae Variant Classification Sherloc (09022015). Collection method: clinical testing. Allele origin: germline.
Comment: In summary, the available evidence is currently insufficient to determine the role of this variant in disease. Therefore, it has been classified as a Variant of Uncertain Significance. Algorithms developed to predict the effect of missense changes on protein structure and function are either unavailable or do not agree on the potential impact of this missense change (SIFT: "Deleterious"; PolyPhen-2: "Benign"; Align-GVGD: "Class C0"). This variant has not been reported in the literature in individuals with NBN-related disease. ClinVar contains an entry for this variant (Variation ID: 230522). This variant is not present in population databases (ExAC no frequency). This sequence change replaces isoleucine with lysine at codon 637 of the NBN protein (p.Ile637Lys). The isoleucine residue is weakly conserved and there is a moderate physicochemical difference between isoleucine and lysine.

Ambry Genetics
Classification: Uncertain significance for Hereditary cancer-predisposing syndrome. Last evaluated: 2015-02-25. Review status: criteria provided, single submitter. Criteria: Ambry Variant Classification Scheme 2023. Collection method: clinical testing. Allele origin: germline.
Comment: The p.I637K variant (also known as c.1910T>A), located in coding exon 12 of the NBN gene, results from a T to A substitution at nucleotide position 1910. The isoleucine at codon 637 is replaced by lysine, an amino acid with dissimilar properties. This variant was not reported in population based cohorts in the following databases: Database of Single Nucleotide Polymorphisms (dbSNP), NHLBI Exome Sequencing Project (ESP), and 1000 Genomes Project. In the ESP, this variant was not observed in 6494 samples (12988 alleles) with coverage at this position. To date, this alteration has been detected with an allele frequency of approximately 0.003% (greater than 40000 alleles tested) in our clinical cohort. This amino acid position is poorly conserved in available vertebrate species. In addition, this alteration is predicted to be tolerated by in silico analysis. Since supporting evidence is limited at this time, the clinical significance of p.I637K remains unclear.

NM_002485.5(NBN):c.1910T>A (p.Ile637Lys)

Genes: NBN (nibrin; minus strand), LOC126860438 (MED14-independent group 3 enhancer GRCh37_chr8:90959982-90961181; plus strand). Cytogenetic location: 8q21.3.
Variant type: single nucleotide variant.
Coding change: c.1910T>A on transcript NM_002485.5 (MANE Select); coding-DNA position 1910, T replaced by A.
Protein change: p.Ile637Lys; replaces isoleucine 637 with lysine.
Molecular consequence: missense variant.
Genome position (GRCh38, 1-based): chr8:89,947,828, A>T on the plus strand (T>A on the coding strand, the complement: NBN is on the minus strand). VCF-style: chr8-89947828-A-T. GRCh37 (hg19) VCF-style: chr8-90960056-A-T.
Other names: c.1664T>A, p.Ile555Lys (NM_001024688.3); short protein forms I637K, I555K.
Identifiers: ClinVar variation 230522 (VCV000230522.16), dbSNP rs876658613, ClinGen allele CA10578751.